The following is an entry in ClinVar:

NM_001080517.3(SETD5):c.1505A>G (p.Asn502Ser)

Gene: SETD5 (SET domain containing 5; plus strand). Cytogenetic location: 3p25.3.
Variant type: single nucleotide variant.
Coding change: c.1505A>G on transcript NM_001080517.3 (MANE Select); coding-DNA position 1505, A replaced by G.
Protein change: p.Asn502Ser; replaces asparagine 502 with serine.
Molecular consequence: missense variant.
Genome position (GRCh38, 1-based): chr3:9,445,721, A>G. VCF-style: chr3-9445721-A-G. GRCh37 (hg19) VCF-style: chr3-9487405-A-G.
Other names: c.1211A>G, p.Asn404Ser (NM_001292043.2, NM_001349451.2); short protein forms N404S, N502S.
Identifiers: ClinVar variation 1327269 (VCV001327269.5), dbSNP rs2125243228, ClinGen allele CA351694192.

ClinVar aggregate classification (germline): Uncertain significance. Review status: criteria provided, multiple submitters, no conflicts (2 of 4 stars). 2 submissions from 2 submitters: Uncertain significance (2). Last evaluated 2022-10-27.

Submissions (2):

Labcorp Genetics (formerly Invitae), Labcorp
Classification: Uncertain significance. Last evaluated: 2022-10-27. Review status: criteria provided, single submitter. Criteria: Invitae Variant Classification Sherloc (09022015). Collection method: clinical testing. Allele origin: germline.
Comment: In summary, the available evidence is currently insufficient to determine the role of this variant in disease. Therefore, it has been classified as a Variant of Uncertain Significance. This sequence change replaces asparagine, which is neutral and polar, with serine, which is neutral and polar, at codon 502 of the SETD5 protein (p.Asn502Ser). This variant is not present in population databases (gnomAD no frequency). This variant has not been reported in the literature in individuals affected with SETD5-related conditions. ClinVar contains an entry for this variant (Variation ID: 1327269). Advanced modeling of protein sequence and biophysical properties (such as structural, functional, and spatial information, amino acid conservation, physicochemical variation, residue mobility, and thermodynamic stability) performed at Invitae indicates that this missense variant is not expected to disrupt SETD5 protein function.

GeneDx
Classification: Uncertain significance. Last evaluated: 2021-06-04. Review status: criteria provided, single submitter. Criteria: GeneDx Variant Classification Process June 2021. Collection method: clinical testing. Allele origin: germline. Affected: yes.
Comment: Not observed at significant frequency in large population cohorts (Lek et al., 2016); In silico analysis supports that this missense variant does not alter protein structure/function; Has not been previously published as pathogenic or benign to our knowledge; This variant is associated with the following publications: (PMID: 27535533)